The following is an entry in ClinVar:

ClinVar aggregate classification (germline): Uncertain significance (1 of 4 stars; one submission).

Conditions:
Glycogen storage disease type III (GSD3). Also called: Cori disease; FORBES DISEASE. Identifiers: Orphanet 366, MedGen C0017922, MONDO:0009291, OMIM 232400.

gnomAD v4.1: 5 of 1,613,654 alleles (0.00031%); highest among the groups gnomAD compares: African/African-American, 0.004%; no homozygotes.

Submission:

Labcorp Genetics (formerly Invitae), Labcorp
Classification: Uncertain significance for Glycogen storage disease type III. Last evaluated: 2021-08-30. Review status: criteria provided, single submitter. Criteria: Invitae Variant Classification Sherloc (09022015). Collection method: clinical testing. Allele origin: germline.
Comment: This sequence change replaces leucine with phenylalanine at codon 1059 of the AGL protein (p.Leu1059Phe). The leucine residue is weakly conserved and there is a small physicochemical difference between leucine and phenylalanine. This variant is not present in population databases (ExAC no frequency). This variant has not been reported in the literature in individuals affected with AGL-related conditions. Algorithms developed to predict the effect of missense changes on protein structure and function (SIFT, PolyPhen-2, Align-GVGD) all suggest that this variant is likely to be tolerated. In summary, the available evidence is currently insufficient to determine the role of this variant in disease. Therefore, it has been classified as a Variant of Uncertain Significance.

NM_000642.3(AGL):c.3175C>T (p.Leu1059Phe)

Gene: AGL (amylo-alpha-1,6-glucosidase and 4-alpha-glucanotransferase; plus strand). Cytogenetic location: 1p21.2.
Variant type: single nucleotide variant.
Coding change: c.3175C>T on transcript NM_000642.3 (MANE Select); coding-DNA position 3175, C replaced by T.
Protein change: p.Leu1059Phe; replaces leucine 1059 with phenylalanine.
Molecular consequence: missense variant.
Genome position (GRCh38, 1-based): chr1:99,892,523, C>T. VCF-style: chr1-99892523-C-T. GRCh37 (hg19) VCF-style: chr1-100358079-C-T.
Other names: c.3175C>T, p.Leu1059Phe (NM_000028.3, NM_000643.3, NM_000644.3 and 1 more transcripts); c.3127C>T, p.Leu1043Phe (NM_000646.3); c.3154C>T, p.Leu1052Phe (NM_001425326.1); c.2974C>T, p.Leu992Phe (NM_001425327.1); c.2971C>T, p.Leu991Phe (NM_001425328.1); c.2836C>T, p.Leu946Phe (NM_001425329.1); c.2797C>T, p.Leu933Phe (NM_001425332.1); short protein forms L1043F, L1059F, L1052F, L933F, L946F, L991F, L992F.
Identifiers: ClinVar variation 1412941 (VCV001412941.5), dbSNP rs868699590, ClinGen allele CA27527919.